The following is an entry in ClinVar:

ClinVar aggregate classification (germline): Likely benign (0 of 4 stars; one submission).

Conditions:
PKD1L1-related disorder. Also called: PKD1L1-related condition.

Submission:

PreventionGenetics, part of Exact Sciences
Classification: Likely benign for PKD1L1-related condition. Last evaluated: 2022-05-25. Review status: no assertion criteria provided. Collection method: clinical testing. Allele origin: germline.
Comment: This variant is classified as likely benign based on ACMG/AMP sequence variant interpretation guidelines (Richards et al. 2015 PMID: 25741868, with internal and published modifications).

NM_138295.5(PKD1L1):c.264C>T (p.Ser88=)

Gene: PKD1L1 (polycystin 1 like 1, transient receptor potential channel interacting; minus strand). Cytogenetic location: 7p12.3.
Variant type: single nucleotide variant.
Coding change: c.264C>T on transcript NM_138295.5 (MANE Select); coding-DNA position 264, C replaced by T.
Protein change: p.Ser88=; no amino-acid change (serine 88 retained).
Molecular consequence: synonymous variant.
Genome position (GRCh38, 1-based): chr7:47,940,214, G>A on the plus strand (C>T on the coding strand, the complement: PKD1L1 is on the minus strand). VCF-style: chr7-47940214-G-A. GRCh37 (hg19) VCF-style: chr7-47979811-G-A.
Identifiers: ClinVar variation 3049031 (VCV003049031.2), dbSNP rs151099037, ClinGen allele CA454919286.